The following is an entry in ClinVar:

NM_001277115.2(DNAH11):c.13096C>T (p.Gln4366Ter)

Gene: DNAH11 (dynein axonemal heavy chain 11; plus strand). Cytogenetic location: 7p15.3.
Variant type: single nucleotide variant.
Coding change: c.13096C>T on transcript NM_001277115.2 (MANE Select); coding-DNA position 13096, C replaced by T.
Protein change: p.Gln4366Ter; replaces glutamine 4366 with a stop codon.
Molecular consequence: nonsense.
Genome position (GRCh38, 1-based): chr7:21,899,382, C>T. VCF-style: chr7-21899382-C-T. GRCh37 (hg19) VCF-style: chr7-21939000-C-T.
Other names: short protein forms Q4366*.
Identifiers: ClinVar variation 1386377 (VCV001386377.6), dbSNP rs748084362, ClinGen allele CA366955338.
Genomic context (GRCh38, chr7:21,899,382, plus strand): 5'-CTCCCATAAACCAGGTTCAATGACCTCCTCCTGCGATGCCGAGAACTCGATACTTGGACA[C>T]AAGACCTTACCCTTCCGGCTGTCGTGTGGCTCTCCGGCTTCTTCAACCCTCAGTCCTTCT-3'

ClinVar aggregate classification (germline): Pathogenic (1 of 4 stars; one submission).

Conditions:
Primary ciliary dyskinesia. Also called: Ciliary dyskinesia. Identifiers: Orphanet 244, MedGen C0008780, MONDO:0016575, HP:0012265.

Submission:

Labcorp Genetics (formerly Invitae), Labcorp
Classification: Pathogenic for Primary ciliary dyskinesia. Last evaluated: 2021-09-04. Review status: criteria provided, single submitter. Criteria: Invitae Variant Classification Sherloc (09022015). Collection method: clinical testing. Allele origin: germline.
Comment: For these reasons, this variant has been classified as Pathogenic. This variant has not been reported in the literature in individuals affected with DNAH11-related conditions. This variant is not present in population databases (ExAC no frequency). This sequence change creates a premature translational stop signal (p.Gln4366*) in the DNAH11 gene. It is expected to result in an absent or disrupted protein product. Loss-of-function variants in DNAH11 are known to be pathogenic (PMID: 18022865, 20513915, 22184204).

Literature cited by the submitters: PubMed 18022865; PubMed 20513915; PubMed 22184204.